The following is an entry in ClinVar:

ClinVar aggregate classification (germline): Uncertain significance. Review status: criteria provided, multiple submitters, no conflicts (2 of 4 stars). 3 submissions from 3 submitters: Uncertain significance (2). 1 of the submissions does not count toward it. Last evaluated 2025-09-10.

Conditions:
FBLN5-related disorder. Also called: FBLN5-related condition.

Allele frequency attached by ClinVar (database versions not stated): ExAC 0.00002.
gnomAD v4.1: 13 of 1,614,004 alleles (0.00081%); highest among the groups gnomAD compares: East Asian, 0.0022%; no homozygotes.

Submissions (3):

Labcorp Genetics (formerly Invitae), Labcorp
Classification: Uncertain significance. Last evaluated: 2025-09-10. Review status: criteria provided, single submitter. Criteria: Invitae Variant Classification Sherloc (09022015). Collection method: clinical testing. Allele origin: germline.
Comment: This sequence change replaces threonine, which is neutral and polar, with methionine, which is neutral and non-polar, at codon 371 of the FBLN5 protein (p.Thr371Met). This variant is present in population databases (rs762522472, gnomAD 0.005%). This variant has not been reported in the literature in individuals affected with FBLN5-related conditions. ClinVar contains an entry for this variant (Variation ID: 2170050). Invitae Evidence Modeling of protein sequence and biophysical properties (such as structural, functional, and spatial information, amino acid conservation, physicochemical variation, residue mobility, and thermodynamic stability) indicates that this missense variant is not expected to disrupt FBLN5 protein function with a negative predictive value of 80%. In summary, the available evidence is currently insufficient to determine the role of this variant in disease. Therefore, it has been classified as a Variant of Uncertain Significance.

Blueprint Genetics
Classification: Uncertain significance. Last evaluated: 2021-01-12. Review status: criteria provided, single submitter. Criteria: ACMG Guidelines, 2015. Collection method: clinical testing. Allele origin: germline.

PreventionGenetics, part of Exact Sciences
Classification: Uncertain significance for FBLN5-related condition. Last evaluated: 2024-08-21. Review status: no assertion criteria provided. Collection method: clinical testing. Allele origin: germline. Not counted in ClinVar's aggregate classification.
Comment: The FBLN5 c.1112C>T variant is predicted to result in the amino acid substitution p.Thr371Met. To our knowledge, this variant has not been reported in the literature. This variant is reported in 0.0050% of alleles in individuals of East Asian descent in gnomAD. At this time, the clinical significance of this variant is uncertain due to the absence of conclusive functional and genetic evidence.

NM_006329.4(FBLN5):c.1112C>T (p.Thr371Met)

Gene: FBLN5 (fibulin 5; minus strand). Cytogenetic location: 14q32.12.
Variant type: single nucleotide variant.
Coding change: c.1112C>T on transcript NM_006329.4 (MANE Select); coding-DNA position 1112, C replaced by T.
Protein change: p.Thr371Met; replaces threonine 371 with methionine.
Molecular consequence: missense variant.
Genome position (GRCh38, 1-based): chr14:91,877,560, G>A on the plus strand (C>T on the coding strand, the complement: FBLN5 is on the minus strand). VCF-style: chr14-91877560-G-A. GRCh37 (hg19) VCF-style: chr14-92343904-G-A.
Other names: c.1235C>T, p.Thr412Met (NM_001384158.1); c.1163C>T, p.Thr388Met (NM_001384159.1); c.1112C>T, p.Thr371Met (NM_001384160.1); c.944C>T, p.Thr315Met (NM_001384161.1, NM_001384162.1); short protein forms T315M, T388M, T371M, T412M.
Identifiers: ClinVar variation 2170050 (VCV002170050.6), dbSNP rs762522472, ClinGen allele CA7312619.
Genomic context (GRCh38, chr14:91,877,560, plus strand): 5'-TCTCTGCCCTCATTCCCAGATTTGATCTGGAAAATGTAATAGGCCCCAGGGTAGCGGGTC[G>A]TGGCTTGCATTTGGAAGATGTCAGCGGGAACGGAGCGTCCTGACACCACGTCCATGTCCC-3'
Protein context (NP_006320.2, residues 361-381): VPADIFQMQA[Thr371Met]TRYPGAYYIF